The following is an entry in ClinVar:

ClinVar aggregate classification (germline): Benign (0 of 4 stars; one submission).

Conditions:
DNHD1-related disorder. Also called: DNHD1-related condition.

Allele frequency attached by ClinVar (database versions not stated): 1000 Genomes Project 0.25160; 1000 Genomes Project 30x 0.25250; TOPMed 0.28905; ExAC 0.29249; gnomAD 0.29440; ESP Exome Variant Server 0.30180; gnomAD exomes 0.32997.
gnomAD v4.1: 504,885 of 1,551,440 alleles (33%); highest among the groups gnomAD compares: Non-Finnish European, 35%; 84,518 homozygotes.

Submission:

PreventionGenetics, part of Exact Sciences
Classification: Benign for DNHD1-related condition. Last evaluated: 2022-09-19. Review status: no assertion criteria provided. Collection method: clinical testing. Allele origin: germline.
Comment: This variant is classified as benign based on ACMG/AMP sequence variant interpretation guidelines (Richards et al. 2015 PMID: 25741868, with internal and published modifications).

NM_144666.3(DNHD1):c.3585A>G (p.Gln1195=)

Gene: DNHD1 (dynein heavy chain domain 1; plus strand). Cytogenetic location: 11p15.4.
Variant type: single nucleotide variant.
Coding change: c.3585A>G on transcript NM_144666.3 (MANE Select); coding-DNA position 3585, A replaced by G.
Protein change: p.Gln1195=; no amino-acid change (glutamine 1195 retained).
Molecular consequence: synonymous variant.
Genome position (GRCh38, 1-based): chr11:6,540,040, A>G. VCF-style: chr11-6540040-A-G. GRCh37 (hg19) VCF-style: chr11-6561270-A-G.
Identifiers: ClinVar variation 3058882 (VCV003058882.2), dbSNP rs10839577, ClinGen allele CA5855919.